The following is an entry in ClinVar:

ClinVar aggregate classification (germline): Uncertain significance (1 of 4 stars; one submission).

Submission:

GeneDx
Classification: Uncertain significance. Last evaluated: 2019-08-14. Review status: criteria provided, single submitter. Criteria: GeneDx Variant Classification Process June 2021. Collection method: clinical testing. Allele origin: germline. Affected: yes.
Comment: Not observed in large population cohorts (Lek et al., 2016); In silico analysis, which includes protein predictors and evolutionary conservation, supports a deleterious effect; Has not been previously published as pathogenic or benign to our knowledge

NM_001353345.2(SETD1B):c.1634C>G (p.Pro545Arg)

Gene: SETD1B (SET domain containing 1B, histone lysine methyltransferase; plus strand). Cytogenetic location: 12q24.31.
Variant type: single nucleotide variant.
Coding change: c.1634C>G on transcript NM_001353345.2 (MANE Select); coding-DNA position 1634, C replaced by G.
Protein change: p.Pro545Arg; replaces proline 545 with arginine.
Molecular consequence: missense variant.
Genome position (GRCh38, 1-based): chr12:121,810,579, C>G. VCF-style: chr12-121810579-C-G. GRCh37 (hg19) VCF-style: chr12-122248485-C-G.
Other names: short protein forms P545R.
Identifiers: ClinVar variation 1316243 (VCV001316243.2), dbSNP rs1875982324, ClinGen allele CA386992330.